The following is an entry in ClinVar:

NM_003356.4(UCP3):c.884A>G (p.Glu295Gly)

Gene: UCP3 (uncoupling protein 3; minus strand). Cytogenetic location: 11q13.4.
Variant type: single nucleotide variant.
Coding change: c.884A>G on transcript NM_003356.4 (MANE Select); coding-DNA position 884, A replaced by G.
Protein change: p.Glu295Gly; replaces glutamic acid 295 with glycine.
Molecular consequence: missense variant.
Genome position (GRCh38, 1-based): chr11:74,001,467, T>C on the plus strand (A>G on the coding strand, the complement: UCP3 is on the minus strand). VCF-style: chr11-74001467-T-C. GRCh37 (hg19) VCF-style: chr11-73712512-T-C.
Other names: short protein forms E295G.
Identifiers: ClinVar variation 4994822 (VCV004994822.1).
Genomic context (GRCh38, chr11:74,001,467, plus strand): 5'-CTTGTTCAAAACGGTGATTCCCGTAACATCTGGACTTTCATCAGGGCCCGTTTCAGCTGC[T>C]CATAGGTTACGAACATCACCACGTTCCAGGATCCCAAACGCAAAAAGGAGGGTGTAAATC-3'
Protein context (NP_003347.1, residues 285-305): SWNVVMFVTY[Glu295Gly]QLKRALMKVQ

ClinVar aggregate classification (germline): Uncertain significance (1 of 4 stars; one submission).

Conditions:
UCP3-related disorder. Also called: UCP3-related condition.

Submission:

PreventionGenetics, part of Exact Sciences
Classification: Uncertain significance for UCP3-related condition. Last evaluated: 2026-05-05. Review status: criteria provided, single submitter. Criteria: ACMG Guidelines, 2015. Collection method: clinical testing. Allele origin: germline.
Comment: The UCP3 c.884A>G variant is predicted to result in the amino acid substitution p.Glu295Gly. To our knowledge, this variant has not been reported in the literature or in a large population database (gnomAD), indicating this variant is rare. At this time, the clinical significance of this variant is uncertain due to the absence of conclusive functional and genetic evidence.